The following is an entry in ClinVar:

NM_006445.4(PRPF8):c.5037C>T (p.Tyr1679=)

Gene: PRPF8 (pre-mRNA processing factor 8; minus strand). Cytogenetic location: 17p13.3.
Variant type: single nucleotide variant.
Coding change: c.5037C>T on transcript NM_006445.4 (MANE Select); coding-DNA position 5037, C replaced by T.
Protein change: p.Tyr1679=; no amino-acid change (tyrosine 1679 retained).
Molecular consequence: synonymous variant.
Genome position (GRCh38, 1-based): chr17:1,659,458, G>A on the plus strand (C>T on the coding strand, the complement: PRPF8 is on the minus strand). VCF-style: chr17-1659458-G-A. GRCh37 (hg19) VCF-style: chr17-1562752-G-A.
Other names: c.5037C>T (NM_006445.3).
Identifiers: ClinVar variation 1641452 (VCV001641452.9), dbSNP rs149173195, ClinGen allele CA8271535.

ClinVar aggregate classification (germline): Likely benign. Review status: criteria provided, multiple submitters, no conflicts (2 of 4 stars). 2 submissions from 2 submitters: Likely benign (2). Last evaluated 2026-05-18.

Conditions:
PRPF8-related disorder. Also called: PRPF8-related condition.

Allele frequency attached by ClinVar (database versions not stated): gnomAD exomes below 0.00001 and 0.00001; ExAC 0.00001; TOPMed 0.00001; ESP Exome Variant Server 0.00008.

Submissions (2):

PreventionGenetics, part of Exact Sciences
Classification: Likely benign for PRPF8-related condition. Last evaluated: 2026-05-18. Review status: criteria provided, single submitter. Criteria: ACMG Guidelines, 2015. Collection method: clinical testing. Allele origin: germline.
Comment: This variant is classified as likely benign based on ACMG/AMP sequence variant interpretation guidelines (Richards et al. 2015 PMID: 25741868, with internal and published modifications).

Labcorp Genetics (formerly Invitae), Labcorp
Classification: Likely benign. Last evaluated: 2022-11-22. Review status: criteria provided, single submitter. Criteria: Invitae Variant Classification Sherloc (09022015). Collection method: clinical testing. Allele origin: germline.